The following is an entry in ClinVar:

NM_006231.4(POLE):c.1215G>C (p.Met405Ile)

Gene: POLE (DNA polymerase epsilon, catalytic subunit; minus strand). Cytogenetic location: 12q24.33.
Variant type: single nucleotide variant.
Coding change: c.1215G>C on transcript NM_006231.4 (MANE Select); coding-DNA position 1215, G replaced by C.
Protein change: p.Met405Ile; replaces methionine 405 with isoleucine.
Molecular consequence: missense variant.
Genome position (GRCh38, 1-based): chr12:132,675,409, C>G on the plus strand (G>C on the coding strand, the complement: POLE is on the minus strand). VCF-style: chr12-132675409-C-G. GRCh37 (hg19) VCF-style: chr12-133251995-C-G.
Other names: short protein forms M405I.
Identifiers: ClinVar variation 405787 (VCV000405787.11), dbSNP rs1060500847, ClinGen allele CA16613654.

ClinVar aggregate classification (germline): Uncertain significance. Review status: criteria provided, multiple submitters, no conflicts (2 of 4 stars). 2 submissions from 2 submitters: Uncertain significance (2). Last evaluated 2026-01-07.

Conditions:
Hereditary cancer-predisposing syndrome. Also called: Neoplastic Syndromes, Hereditary; Tumor predisposition; Hereditary neoplastic syndrome; Hereditary Cancer Syndrome. Identifiers: Orphanet 140162, MedGen C0027672, MeSH D009386, MONDO:0015356.

Allele frequency attached by ClinVar (database versions not stated): gnomAD exomes below 0.00001.
gnomAD v4.1: 2 of 1,614,092 alleles (0.00012%); highest among the groups gnomAD compares: Non-Finnish European, 0.00017%; no homozygotes.

Submissions (2):

Ambry Genetics
Classification: Uncertain significance for Hereditary cancer-predisposing syndrome. Last evaluated: 2026-01-07. Review status: criteria provided, single submitter. Criteria: Ambry Variant Classification Scheme 2023. Collection method: clinical testing. Allele origin: germline.
Comment: The p.M405I variant (also known as c.1215G>C), located in coding exon 12 of the POLE gene, results from a G to C substitution at nucleotide position 1215. The methionine at codon 405 is replaced by isoleucine, an amino acid with highly similar properties. This amino acid position is highly conserved in available vertebrate species. In addition, the in silico prediction for this alteration is inconclusive. Based on the available evidence, the clinical significance of this variant remains unclear.

Labcorp Genetics (formerly Invitae), Labcorp
Classification: Uncertain significance. Last evaluated: 2025-08-13. Review status: criteria provided, single submitter. Criteria: Invitae Variant Classification Sherloc (09022015). Collection method: clinical testing. Allele origin: germline.
Comment: This sequence change replaces methionine, which is neutral and non-polar, with isoleucine, which is neutral and non-polar, at codon 405 of the POLE protein (p.Met405Ile). This variant is not present in population databases (gnomAD no frequency). This variant has not been reported in the literature in individuals affected with POLE-related conditions. ClinVar contains an entry for this variant (Variation ID: 405787). Invitae Evidence Modeling of protein sequence and biophysical properties (such as structural, functional, and spatial information, amino acid conservation, physicochemical variation, residue mobility, and thermodynamic stability) indicates that this missense variant is not expected to disrupt POLE protein function with a negative predictive value of 80%. In summary, the available evidence is currently insufficient to determine the role of this variant in disease. Therefore, it has been classified as a Variant of Uncertain Significance.